The following is an entry in ClinVar:

ClinVar aggregate classification (germline): Uncertain significance (1 of 4 stars; one submission).

gnomAD v4.1: 1 of 1,614,072 alleles (0.000062%); highest among the groups gnomAD compares: African/African-American, 0.0013%; no homozygotes.

Submission:

GeneDx
Classification: Uncertain significance. Last evaluated: 2024-03-27. Review status: criteria provided, single submitter. Criteria: GeneDx Variant Classification Process June 2021. Collection method: clinical testing. Allele origin: germline. Affected: yes.
Comment: Not observed at significant frequency in large population cohorts (gnomAD); In silico analysis supports that this missense variant has a deleterious effect on protein structure/function; Has not been previously published as pathogenic or benign to our knowledge

NM_004171.4(SLC1A2):c.1013T>A (p.Val338Glu)

Gene: SLC1A2 (solute carrier family 1 member 2; minus strand). Cytogenetic location: 11p13.
Variant type: single nucleotide variant.
Coding change: c.1013T>A on transcript NM_004171.4 (MANE Select); coding-DNA position 1013, T replaced by A.
Protein change: p.Val338Glu; replaces valine 338 with glutamic acid.
Molecular consequence: missense variant.
Genome position (GRCh38, 1-based): chr11:35,292,365, A>T on the plus strand (T>A on the coding strand, the complement: SLC1A2 is on the minus strand). VCF-style: chr11-35292365-A-T. GRCh37 (hg19) VCF-style: chr11-35313912-A-T.
Other names: c.986T>A, p.Val329Glu (NM_001195728.3, NM_001252652.2); short protein forms V329E, V338E.
Identifiers: ClinVar variation 3371735 (VCV003371735.1).
Genomic context (GRCh38, chr11:35,292,365, plus strand): 5'-GCAGTGATCCAAGCTTGGAAAATGCCAGCAAAAAAGGAGAAGGGGTTTTTCCTGGTCACT[A>T]CAAAGTAAATCAAGGGGAGAAAGATGCCCCCGTGGATGATGAGGCCTATGATCACTGTTA-3'
Protein context (NP_004162.2, residues 328-348): GGIFLPLIYF[Val338Glu]VTRKNPFSFF